The following is an entry in ClinVar:

NM_001356.5(DDX3X):c.976C>T (p.Arg326Cys)

Gene: DDX3X (DEAD-box helicase 3 X-linked; plus strand). Cytogenetic location: Xp11.4.
Variant type: single nucleotide variant.
Coding change: c.976C>T on transcript NM_001356.5 (MANE Select); coding-DNA position 976, C replaced by T.
Protein change: p.Arg326Cys; replaces arginine 326 with cysteine.
Molecular consequence: missense variant. On other transcripts: non-coding transcript variant (1).
Genome position (GRCh38, 1-based): chrX:41,344,350, C>T. VCF-style: chrX-41344350-C-T. GRCh37 (hg19) VCF-style: chrX-41203603-C-T.
Other names: p.Arg326Cys; c.976C>T (NM_001193416.1); c.976C>T, p.Arg326Cys (NM_001193416.3); c.928C>T, p.Arg310Cys (NM_001193417.3); c.418C>T, p.Arg140Cys (NM_001363819.1); short protein forms R326C, R140C, R310C.
Identifiers: ClinVar variation 521573 (VCV000521573.16), dbSNP rs1555953548, ClinGen allele CA412771087.

ClinVar aggregate classification (germline): Pathogenic/Likely pathogenic. Review status: criteria provided, multiple submitters, no conflicts (2 of 4 stars). 7 submissions from 7 submitters: Pathogenic (5); Likely pathogenic (2). Last evaluated 2025-02-24.
ClinVar aggregate classification (somatic clinical impact): Tier I - Strong. Review status: criteria provided, single submitter (1 of 4 stars). 2 submissions from 1 submitter. 1 of the submissions does not count toward it. Last evaluated 2023-06-26.

Conditions:
Inborn genetic diseases. Identifiers: MedGen C0950123, MeSH D030342.
Intellectual disability, X-linked 102 (MRXSSB). Also called: Intellectual developmental disorder, X-linked syndromic, Snijders Blok type. Identifiers: Orphanet 457260, MedGen C5393299, MONDO:0010497, OMIM 300958.
Medulloblastoma WNT activated. Identifiers: MedGen C4331965, MONDO:0850196.
Medulloblastoma non-WNT/non-SHH group 3. Identifiers: MedGen C4330665, MONDO:0956966.

Submissions (9):

GeneDx
Classification: Pathogenic. Last evaluated: 2025-02-24. Review status: criteria provided, single submitter. Criteria: GeneDx Variant Classification Process June 2021. Collection method: clinical testing. Allele origin: germline. Affected: yes.
Comment: Not observed at significant frequency in large population cohorts (gnomAD); In silico analysis supports that this missense variant has a deleterious effect on protein structure/function; This variant is associated with the following publications: (PMID: 32371413, 2563148, 33004838, 33993884, 34356170, 38058759, 38421120, 37486637, 37236975)

Institute for Genomic Medicine (IGM) Clinical Laboratory, Nationwide Children's Hospital
Classification: Tier II - Potential for Medulloblastoma non-WNT/non-SHH group 3. Assertion type: diagnostic. Clinical significance: supports diagnosis. Last evaluated: 2024-08-06. Review status: criteria provided, single submitter. Criteria: AMP/ASCO/CAP Guidelines, 2017. Collection method: clinical testing. Allele origin: somatic. Affected: yes. Not counted in ClinVar's aggregate classification.
Comment: Variant has Tier II (potential) clinical significance as a diagnostic inclusion criterion in medulloblastoma non-WNT/non-SHH group 3, based on the following evidence: 1) Documented in one or more cancer databases (e.g., St. Jude Pecan, COSMIC, CIViC, OncoKB). 2) Diagnostic significance based on multiple small studies (Evidence Level C; PMIDs: 22820256, 22832583, 22722829, 28726821).

Labcorp Genetics (formerly Invitae), Labcorp
Classification: Pathogenic. Last evaluated: 2023-12-07. Review status: criteria provided, single submitter. Criteria: Invitae Variant Classification Sherloc (09022015). Collection method: clinical testing. Allele origin: germline.
Comment: This sequence change replaces arginine, which is basic and polar, with cysteine, which is neutral and slightly polar, at codon 326 of the DDX3X protein (p.Arg326Cys). This variant is not present in population databases (gnomAD no frequency). This missense change has been observed in individual(s) with X-linked intellectual disability (PMID: 33993884, 34356170). In at least one individual the variant was observed to be de novo. ClinVar contains an entry for this variant (Variation ID: 521573). Experimental studies and prediction algorithms are not available or were not evaluated, and the functional significance of this variant is currently unknown. This variant disrupts the p.Arg326 amino acid residue in DDX3X. Other variant(s) that disrupt this residue have been determined to be pathogenic (PMID: 26235985, 30125339). This suggests that this residue is clinically significant, and that variants that disrupt this residue are likely to be disease-causing. For these reasons, this variant has been classified as Pathogenic.

3billion
Classification: Likely pathogenic for Intellectual disability, X-linked 102. Last evaluated: 2023-11-28. Review status: criteria provided, single submitter. Criteria: ACMG Guidelines, 2015. Collection method: clinical testing. Allele origin: germline. Affected: yes.
Comment: The variant is not observed in the gnomAD v2.1.1 dataset. Predicted Consequence/Location: Missense variant In silico tool predictions suggest damaging effect of the variant on gene or gene product [REVEL: 0.47 (>=0.6, sensitivity 0.68 and specificity 0.92); 3Cnet: 0.97 (>=0.6, sensitivity 0.72 and precision 0.9)]. Same nucleotide change resulting in same amino acid change has been previously reported as pathogenic/likely pathogenic with strong evidence (ClinVar ID: VCV000521573 /PMID: 32371413). A different missense change at the same codon (p.Arg326His) has been reported as pathogenic/likely pathogenic with strong evidence (ClinVar ID: VCV000208547 /PMID: 26235985 /3billion dataset). Therefore, this variant is classified as Likely pathogenic according to the recommendation of ACMG/AMP guideline.

Breakthrough Genomics
Classification: Pathogenic for Intellectual disability, X-linked 102. Last evaluated: 2023-08-08. Review status: criteria provided, single submitter. Criteria: ACMG Guidelines, 2015. Collection method: clinical testing. Allele origin: germline. Affected: yes.
Comment: This variant has been previously reported in patients with developmental delay and/or intellectual disability (ID) [PMID: 33993884, 34356170, 33004838, 32371413].

Institute for Genomic Medicine (IGM) Clinical Laboratory, Nationwide Children's Hospital
Classification: Tier I - Strong for Medulloblastoma WNT activated. Assertion type: diagnostic. Clinical significance: supports diagnosis. Last evaluated: 2023-06-26. Review status: criteria provided, single submitter. Criteria: AMP/ASCO/CAP Guidelines, 2017. Collection method: clinical testing. Allele origin: somatic. Affected: yes.
Comment: Variant has Tier I (strong) clinical significance as a diagnostic inclusion criterion in medulloblastoma WNT activated, based on the following evidence: 1) Documented in one or more cancer databases (e.g., St. Jude Pecan, COSMIC, CIViC, OncoKB). 2) Appears in one or more well-established professional guidelines (e.g., World Health Organization [WHO]; National Comprehensive Cancer Network [NCCN]) as providing diagnostic, prognostic, or therapeutic information. 3) Diagnostic for a specific tumor type/classification based on well-powered studies with expert-level consensus (Evidence Level B; PMIDs: 22832583, 22722829, 28726821, 22820256).

Genomic Medicine Lab, University of California San Francisco
Classification: Pathogenic for Intellectual disability, X-linked 102. Last evaluated: 2018-11-08. Review status: criteria provided, single submitter. Criteria: ACMG Guidelines, 2015. Collection method: clinical testing. Allele origin: de novo. Inheritance: X-linked inheritance. Affected: yes. Study: CSER.

Institute for Genomic Medicine (IGM) Clinical Laboratory, Nationwide Children's Hospital
Classification: Pathogenic for Intellectual disability, X-linked 102. Last evaluated: 2017-11-28. Review status: criteria provided, single submitter. Criteria: ACMG Guidelines, 2015. Collection method: clinical testing. Allele origin: germline. Affected: yes.
Comment: [ACMG/AMP: PS2, PM1, PM2, PM5, PP2, PP3] This alteration is de novo in origin as it was not detected in the submitted parental specimens (identity confirmed) [PS2], is located in a mutational hotspot and/or critical and well-established functional domain [PM1], is absent from or rarely observed in large-scale population databases [PM2], is a novel missense change at an amino residue where a different missense change has been deemed to be pathogenic [PM5], is a missense variant in a gene in which missense variants are a common mechanism of disease [PP2], is predicted to be damaging by multiple functional prediction tools [PP3].

Ambry Genetics
Classification: Likely pathogenic for Inborn genetic diseases. Last evaluated: 2017-02-07. Review status: criteria provided, single submitter. Criteria: Ambry exome assertion method (8-5-2015). Collection method: clinical testing. Allele origin: germline. Affected: yes. Observed: 1 variant allele.

Literature cited by the submitters: PubMed 22820256 (cited by Institute for Genomic Medicine (IGM) Clinical Laboratory, Nationwide Children's Hospital); PubMed 22832583 (cited by Institute for Genomic Medicine (IGM) Clinical Laboratory, Nationwide Children's Hospital); PubMed 22722829 (cited by Institute for Genomic Medicine (IGM) Clinical Laboratory, Nationwide Children's Hospital); PubMed 28726821 (cited by Institute for Genomic Medicine (IGM) Clinical Laboratory, Nationwide Children's Hospital); PubMed 33993884 (cited by Labcorp Genetics (formerly Invitae), Labcorp); PubMed 34356170 (cited by Labcorp Genetics (formerly Invitae), Labcorp); PubMed 26235985 (cited by Labcorp Genetics (formerly Invitae), Labcorp and 3billion); PubMed 30125339 (cited by Labcorp Genetics (formerly Invitae), Labcorp); PubMed 32371413 (cited by 3billion); PubMed 2563148 (cited by Ambry Genetics).